The following is an entry in ClinVar:

NM_015909.4(NBAS):c.2750T>C (p.Leu917Ser)

Gene: NBAS (NBAS subunit of NRZ tethering complex; minus strand). Cytogenetic location: 2p24.3.
Variant type: single nucleotide variant.
Coding change: c.2750T>C on transcript NM_015909.4 (MANE Select); coding-DNA position 2750, T replaced by C.
Protein change: p.Leu917Ser; replaces leucine 917 with serine.
Molecular consequence: missense variant. On other transcripts: non-coding transcript variant (1).
Genome position (GRCh38, 1-based): chr2:15,417,540, A>G on the plus strand (T>C on the coding strand, the complement: NBAS is on the minus strand). VCF-style: chr2-15417540-A-G. GRCh37 (hg19) VCF-style: chr2-15557664-A-G.
Other names: p.Leu917Ser; c.2750T>C (NM_015909.2); short protein forms L917S.
Identifiers: ClinVar variation 721145 (VCV000721145.17), dbSNP rs140950764, ClinGen allele CA1536275.
Genomic context (GRCh38, chr2:15,417,540, plus strand): 5'-AGAAAATGCTTTAAAATATTTAAAAAGGAAGTTAAAATAAAACCTACACTATTCATCAGT[A>G]ATCTTAGTTTTTCAATGTCTTTCATCTGCTGGAGTTCTTTCAGGGTTAGAGTTACATCAC-3'
Protein context (NP_056993.2, residues 907-927): QQMKDIEKLR[Leu917Ser]LMNSCSEDKY

ClinVar aggregate classification (germline): Conflicting classifications of pathogenicity. Review status: criteria provided, conflicting classifications (1 of 4 stars). 6 submissions from 6 submitters: Uncertain significance (1); Likely benign (4). 1 of the submissions does not count toward it. Last evaluated 2026-01-28.

Conditions:
NBAS-related disorder. Also called: NBAS-related condition.
Inborn genetic diseases. Identifiers: MedGen C0950123, MeSH D030342.

Allele frequency attached by ClinVar (database versions not stated): gnomAD 0.00120 and 0.00123; TOPMed 0.00128; ESP Exome Variant Server 0.00161; 1000 Genomes Project 0.00200; 1000 Genomes Project 30x 0.00234; gnomAD exomes 0.00010 and 0.00026; ExAC 0.00040.
gnomAD v4.1: 337 of 1,612,656 alleles (0.021%); highest among the groups gnomAD compares: African/African-American, 0.41%; 1 homozygote.

Submissions (6):

Labcorp Genetics (formerly Invitae), Labcorp
Classification: Likely benign. Last evaluated: 2026-01-28. Review status: criteria provided, single submitter. Criteria: Invitae Variant Classification Sherloc (09022015). Collection method: clinical testing. Allele origin: germline.

Mayo Clinic Laboratories, Mayo Clinic
Classification: Uncertain significance. Last evaluated: 2025-09-16. Review status: criteria provided, single submitter. Criteria: ACMG Guidelines, 2015. Collection method: clinical testing. Allele origin: germline. Observed: 1 variant allele.
Comment: BS1, PP3

Ambry Genetics
Classification: Likely benign for Inborn genetic diseases. Last evaluated: 2025-02-19. Review status: criteria provided, single submitter. Criteria: Ambry Variant Classification Scheme 2023. Collection method: clinical testing. Allele origin: germline.

Women's Health and Genetics/Laboratory Corporation of America, LabCorp
Classification: Likely benign. Last evaluated: 2024-05-31. Review status: criteria provided, single submitter. Criteria: LabCorp Variant Classification Summary - May 2015. Collection method: clinical testing. Allele origin: germline.
Comment: Variant summary: NBAS c.2750T>C (p.Leu917Ser) results in a non-conservative amino acid change in the encoded protein sequence. Four of five in-silico tools predict a damaging effect of the variant on protein function. The variant allele was found at a frequency of 0.00026 in 250414 control chromosomes, predominantly at a frequency of 0.0041 within the African or African-American subpopulation in the gnomAD database, including 1 homozygotes. The observed variant frequency within African or African-American control individuals in the gnomAD database is approximately 4 fold of the estimated maximal expected allele frequency for a pathogenic variant in NBAS causing Liver Failure Acute Infantile, Type 2 phenotype (0.0011). To our knowledge, no occurrence of c.2750T>C in individuals affected with Liver Failure Acute Infantile, Type 2 and no experimental evidence demonstrating its impact on protein function have been reported. ClinVar contains an entry for this variant (Variation ID: 721145). Based on the evidence outlined above, the variant was classified as likely benign.

Breakthrough Genomics
Classification: Likely benign. Review status: criteria provided, single submitter. Criteria: ACMG Guidelines, 2015. Collection method: not provided. Allele origin: germline. Inheritance: Autosomal recessive inheritance. Affected: yes.

PreventionGenetics, part of Exact Sciences
Classification: Likely benign for NBAS-related condition. Last evaluated: 2022-08-21. Review status: no assertion criteria provided. Collection method: clinical testing. Allele origin: germline. Not counted in ClinVar's aggregate classification.
Comment: This variant is classified as likely benign based on ACMG/AMP sequence variant interpretation guidelines (Richards et al. 2015 PMID: 25741868, with internal and published modifications).